The following is an entry in ClinVar:

ClinVar aggregate classification (germline): Uncertain significance (1 of 4 stars; one submission).

Conditions:
ATP8B1-related disorder. Also called: ATP8B1-related disorders; ATP8B1-related condition.

gnomAD v4.1: 8 of 1,610,532 alleles (0.0005%); highest among the groups gnomAD compares: African/African-American, 0.011%; no homozygotes.

Submission:

PreventionGenetics, part of Exact Sciences
Classification: Uncertain significance for ATP8B1-related condition. Last evaluated: 2026-02-05. Review status: criteria provided, single submitter. Criteria: ACMG Guidelines, 2015. Collection method: clinical testing. Allele origin: germline.
Comment: The ATP8B1 c.1934T>A variant is predicted to result in the amino acid substitution p.Ile645Asn. To our knowledge, this variant has not been reported in the literature. This variant is reported in 0.012% of alleles in individuals of African descent in gnomAD. At this time, the clinical significance of this variant is uncertain due to the absence of conclusive functional and genetic evidence.

NM_001374385.1(ATP8B1):c.1934T>A (p.Ile645Asn)

Gene: ATP8B1 (ATPase phospholipid transporting 8B1; minus strand). Cytogenetic location: 18q21.31.
Variant type: single nucleotide variant.
Coding change: c.1934T>A on transcript NM_001374385.1 (MANE Select); coding-DNA position 1934, T replaced by A.
Protein change: p.Ile645Asn; replaces isoleucine 645 with asparagine.
Molecular consequence: missense variant.
Genome position (GRCh38, 1-based): chr18:57,669,481, A>T on the plus strand (T>A on the coding strand, the complement: ATP8B1 is on the minus strand). VCF-style: chr18-57669481-A-T. GRCh37 (hg19) VCF-style: chr18-55336713-A-T.
Other names: c.1784T>A, p.Ile595Asn (NM_001374386.1); c.1934T>A, p.Ile645Asn (NM_005603.6); short protein forms I645N, I595N.
Identifiers: ClinVar variation 4985029 (VCV004985029.1).